The following is an entry in ClinVar:

NM_013432.5(TONSL):c.3007-8C>A

Gene: TONSL (tonsoku like, DNA repair protein; minus strand). Cytogenetic location: 8q24.3.
Variant type: single nucleotide variant.
Coding change: c.3007-8C>A on transcript NM_013432.5 (MANE Select); 8 bases into the intron before coding-DNA position 3007, C replaced by A.
Molecular consequence: intron variant.
Genome position (GRCh38, 1-based): chr8:144,434,897, G>T on the plus strand (C>A on the coding strand, the complement: TONSL is on the minus strand). VCF-style: chr8-144434897-G-T. GRCh37 (hg19) VCF-style: chr8-145660280-G-T.
Identifiers: ClinVar variation 4750774 (VCV004750774.1).

ClinVar aggregate classification (germline): Uncertain significance (1 of 4 stars; one submission).

gnomAD v4.1: 6 of 1,613,216 alleles (0.00037%); highest among the groups gnomAD compares: African/African-American, 0.004%; no homozygotes.

Submission:

Labcorp Genetics (formerly Invitae), Labcorp
Classification: Uncertain significance. Last evaluated: 2025-12-14. Review status: criteria provided, single submitter. Criteria: Invitae Variant Classification Sherloc (09022015). Collection method: clinical testing. Allele origin: germline.
Comment: This sequence change falls in intron 19 of the TONSL gene. It does not directly change the encoded amino acid sequence of the TONSL protein. This variant is not present in population databases (gnomAD no frequency). This variant has not been reported in the literature in individuals affected with TONSL-related conditions. Algorithms developed to predict the effect of sequence changes on RNA splicing suggest that this variant may disrupt the consensus splice site. In summary, the available evidence is currently insufficient to determine the role of this variant in disease. Therefore, it has been classified as a Variant of Uncertain Significance.